The following is an entry in ClinVar:

ClinVar aggregate classification (germline): Uncertain significance. Review status: criteria provided, multiple submitters, no conflicts (2 of 4 stars). 2 submissions from 2 submitters: Uncertain significance (2). Last evaluated 2024-11-20.

Submissions (2):

Ambry Genetics
Classification: Uncertain significance. Last evaluated: 2024-11-20. Review status: criteria provided, single submitter. Criteria: Ambry Variant Classification Scheme 2023. Collection method: clinical testing. Allele origin: germline.

Labcorp Genetics (formerly Invitae), Labcorp
Classification: Uncertain significance. Last evaluated: 2024-02-14. Review status: criteria provided, single submitter. Criteria: Invitae Variant Classification Sherloc (09022015). Collection method: clinical testing. Allele origin: germline.
Comment: This sequence change replaces alanine, which is neutral and non-polar, with valine, which is neutral and non-polar, at codon 96 of the GAS1 protein (p.Ala96Val). The frequency data for this variant in the population databases is considered unreliable, as metrics indicate poor data quality at this position in the gnomAD database. This variant has not been reported in the literature in individuals affected with GAS1-related conditions. An algorithm developed to predict the effect of missense changes on protein structure and function (PolyPhen-2) suggests that this variant is likely to be tolerated. In summary, the available evidence is currently insufficient to determine the role of this variant in disease. Therefore, it has been classified as a Variant of Uncertain Significance.

NM_002048.3(GAS1):c.287C>T (p.Ala96Val)

Gene: GAS1 (growth arrest specific 1; minus strand). Cytogenetic location: 9q21.33.
Variant type: single nucleotide variant.
Coding change: c.287C>T on transcript NM_002048.3 (MANE Select); coding-DNA position 287, C replaced by T.
Protein change: p.Ala96Val; replaces alanine 96 with valine.
Molecular consequence: missense variant.
Genome position (GRCh38, 1-based): chr9:86,946,493, G>A on the plus strand (C>T on the coding strand, the complement: GAS1 is on the minus strand). VCF-style: chr9-86946493-G-A. GRCh37 (hg19) VCF-style: chr9-89561408-G-A.
Other names: short protein forms A96V.
Identifiers: ClinVar variation 3518871 (VCV003518871.3).